The following is an entry in ClinVar:

ClinVar aggregate classification (germline): Uncertain significance. Review status: criteria provided, multiple submitters, no conflicts (2 of 4 stars). 2 submissions from 2 submitters: Uncertain significance (2). Last evaluated 2024-03-27.

Allele frequency attached by ClinVar (database versions not stated): ExAC 0.00012.
gnomAD v4.1: 39 of 1,601,182 alleles (0.0024%); highest among the groups gnomAD compares: South Asian, 0.043%; 1 homozygote.

Submissions (2):

Labcorp Genetics (formerly Invitae), Labcorp
Classification: Uncertain significance. Last evaluated: 2024-03-27. Review status: criteria provided, single submitter. Criteria: Invitae Variant Classification Sherloc (09022015). Collection method: clinical testing. Allele origin: germline.
Comment: This sequence change replaces aspartic acid, which is acidic and polar, with tyrosine, which is neutral and polar, at codon 96 of the CFD protein (p.Asp96Tyr). This variant is present in population databases (rs758677702, gnomAD 0.04%). This variant has not been reported in the literature in individuals affected with CFD-related conditions. ClinVar contains an entry for this variant (Variation ID: 1493995). An algorithm developed to predict the effect of missense changes on protein structure and function (PolyPhen-2) suggests that this variant is likely to be disruptive. In summary, the available evidence is currently insufficient to determine the role of this variant in disease. Therefore, it has been classified as a Variant of Uncertain Significance.

Ambry Genetics
Classification: Uncertain significance. Last evaluated: 2022-11-22. Review status: criteria provided, single submitter. Criteria: Ambry Variant Classification Scheme 2023. Collection method: clinical testing. Allele origin: germline.

NM_001928.4(CFD):c.286G>T (p.Asp96Tyr)

Gene: CFD (complement factor D; plus strand). Cytogenetic location: 19p13.3.
Variant type: single nucleotide variant.
Coding change: c.286G>T on transcript NM_001928.4 (MANE Select); coding-DNA position 286, G replaced by T.
Protein change: p.Asp96Tyr; replaces aspartic acid 96 with tyrosine.
Molecular consequence: missense variant.
Genome position (GRCh38, 1-based): chr19:860,934, G>T. VCF-style: chr19-860934-G-T. GRCh37 (hg19) VCF-style: chr19-860934-G-T.
Other names: c.307G>T, p.Asp103Tyr (NM_001317335.2); c.286G>T (NM_001928.2); short protein forms D96Y, D103Y.
Identifiers: ClinVar variation 1493995 (VCV001493995.8), dbSNP rs758677702, ClinGen allele CA9026286.